The following is an entry in ClinVar:

NM_014141.6(CNTNAP2):c.2929G>T (p.Gly977Ter)

Genes: CNTNAP2 (contactin associated protein 2; plus strand), LOC126860216 (BRD4-independent group 4 enhancer GRCh37_chr7:147868766-147869965; plus strand). Cytogenetic location: 7q35.
Variant type: single nucleotide variant.
Coding change: c.2929G>T on transcript NM_014141.6 (MANE Select); coding-DNA position 2929, G replaced by T.
Protein change: p.Gly977Ter; replaces glycine 977 with a stop codon.
Molecular consequence: nonsense.
Genome position (GRCh38, 1-based): chr7:148,172,397, G>T. VCF-style: chr7-148172397-G-T. GRCh37 (hg19) VCF-style: chr7-147869489-G-T.
Other names: short protein forms G977*.
Identifiers: ClinVar variation 2091799 (VCV002091799.4), dbSNP rs2536593200, ClinGen allele CA369928637.

ClinVar aggregate classification (germline): Pathogenic (1 of 4 stars; one submission).

Conditions:
Cortical dysplasia-focal epilepsy syndrome (PTHSL1). Also called: Pitt-Hopkins-like syndrome 1. Identifiers: Orphanet 163681, Orphanet 221150, MedGen C2750246, MONDO:0012400, OMIM 610042.

Allele frequency attached by ClinVar (database versions not stated): gnomAD exomes below 0.00001.
gnomAD v4.1: 1 of 1,614,136 alleles (0.000062%); highest among the groups gnomAD compares: Non-Finnish European, 0.000085%; no homozygotes.

Submission:

Labcorp Genetics (formerly Invitae), Labcorp
Classification: Pathogenic for Cortical dysplasia-focal epilepsy syndrome. Last evaluated: 2025-01-19. Review status: criteria provided, single submitter. Criteria: Invitae Variant Classification Sherloc (09022015). Collection method: clinical testing. Allele origin: germline.
Comment: This sequence change creates a premature translational stop signal (p.Gly977*) in the CNTNAP2 gene. It is expected to result in an absent or disrupted protein product. Loss-of-function variants in CNTNAP2 are known to be pathogenic (PMID: 19896112, 21827697, 25045150, 26843181, 27439707). This variant is not present in population databases (gnomAD no frequency). This variant has not been reported in the literature in individuals affected with CNTNAP2-related conditions. ClinVar contains an entry for this variant (Variation ID: 2091799). For these reasons, this variant has been classified as Pathogenic.

Literature cited by the submitters: PubMed 19896112; PubMed 21827697; PubMed 25045150; PubMed 26843181; PubMed 27439707.